The following is an entry in ClinVar:

ClinVar aggregate classification (germline): Uncertain significance. Review status: criteria provided, multiple submitters, no conflicts (2 of 4 stars). 2 submissions from 2 submitters: Uncertain significance (2). Last evaluated 2025-11-24.

Conditions:
Pure or complex autosomal recessive spastic paraplegia. Identifiers: Orphanet 320346, MedGen C5679887, MONDO:0017915.

Allele frequency attached by ClinVar (database versions not stated): ExAC 0.00002; gnomAD 0.00004; gnomAD exomes 0.00004; TOPMed 0.00007; ESP Exome Variant Server 0.00015.
gnomAD v4.1: 61 of 1,613,862 alleles (0.0038%); highest among the groups gnomAD compares: Middle Eastern, 0.033%; no homozygotes.

Submissions (2):

Labcorp Genetics (formerly Invitae), Labcorp
Classification: Uncertain significance for Pure or complex autosomal recessive spastic paraplegia. Last evaluated: 2025-11-24. Review status: criteria provided, single submitter. Criteria: Invitae Variant Classification Sherloc (09022015). Collection method: clinical testing. Allele origin: germline.
Comment: This sequence change replaces valine, which is neutral and non-polar, with isoleucine, which is neutral and non-polar, at codon 234 of the ZFR protein (p.Val234Ile). This variant is present in population databases (rs367828368, gnomAD 0.01%). This variant has not been reported in the literature in individuals affected with ZFR-related conditions. ClinVar contains an entry for this variant (Variation ID: 2750577). Experimental studies and prediction algorithms are not available or were not evaluated, and the functional significance of this variant is currently unknown. In summary, the available evidence is currently insufficient to determine the role of this variant in disease. Therefore, it has been classified as a Variant of Uncertain Significance.

Ambry Genetics
Classification: Uncertain significance. Last evaluated: 2024-01-23. Review status: criteria provided, single submitter. Criteria: Ambry Variant Classification Scheme 2023. Collection method: clinical testing. Allele origin: germline.

NM_016107.5(ZFR):c.700G>A (p.Val234Ile)

Gene: ZFR (zinc finger RNA binding protein; minus strand). Cytogenetic location: 5p13.3.
Variant type: single nucleotide variant.
Coding change: c.700G>A on transcript NM_016107.5 (MANE Select); coding-DNA position 700, G replaced by A.
Protein change: p.Val234Ile; replaces valine 234 with isoleucine.
Molecular consequence: missense variant. On other transcripts: non-coding transcript variant (1).
Genome position (GRCh38, 1-based): chr5:32,415,053, C>T on the plus strand (G>A on the coding strand, the complement: ZFR is on the minus strand). VCF-style: chr5-32415053-C-T. GRCh37 (hg19) VCF-style: chr5-32415158-C-T.
Other names: c.700G>A (NM_016107.3); short protein forms V234I.
Identifiers: ClinVar variation 2750577 (VCV002750577.4), dbSNP rs367828368, ClinGen allele CA3222000.